The following is an entry in ClinVar:

NM_001130969.3(NSMF):c.848G>A (p.Arg283His)

Gene: NSMF (NMDA receptor synaptonuclear signaling and neuronal migration factor; minus strand). Cytogenetic location: 9q34.3.
Variant type: single nucleotide variant.
Coding change: c.848G>A on transcript NM_001130969.3 (MANE Select); coding-DNA position 848, G replaced by A.
Protein change: p.Arg283His; replaces arginine 283 with histidine.
Molecular consequence: missense variant. On other transcripts: intron variant (1).
Genome position (GRCh38, 1-based): chr9:137,453,805, C>T on the plus strand (G>A on the coding strand, the complement: NSMF is on the minus strand). VCF-style: chr9-137453805-C-T. GRCh37 (hg19) VCF-style: chr9-140348257-C-T.
Other names: c.779G>A, p.Arg260His (NM_001130970.2); c.773G>A, p.Arg258His (NM_001130971.2); c.842G>A, p.Arg281His (NM_015537.5, NM_182780.1); c.832+586G>A (NM_001178064.2); short protein forms R260H, R281H, R258H, R283H.
Identifiers: ClinVar variation 2264325 (VCV002264325.3), dbSNP rs760545169, ClinGen allele CA5370329.

ClinVar aggregate classification (germline): Uncertain significance. Review status: criteria provided, multiple submitters, no conflicts (2 of 4 stars). 2 submissions from 2 submitters: Uncertain significance (2). Last evaluated 2025-08-29.

Allele frequency attached by ClinVar (database versions not stated): gnomAD exomes 0.00001; ExAC 0.00002; gnomAD 0.00003; TOPMed 0.00004.
gnomAD v4.1: 21 of 1,593,502 alleles (0.0013%); highest among the groups gnomAD compares: Admixed American, 0.0085%; no homozygotes.

Submissions (2):

Labcorp Genetics (formerly Invitae), Labcorp
Classification: Uncertain significance. Last evaluated: 2025-08-29. Review status: criteria provided, single submitter. Criteria: Invitae Variant Classification Sherloc (09022015). Collection method: clinical testing. Allele origin: germline.
Comment: This sequence change replaces arginine, which is basic and polar, with histidine, which is basic and polar, at codon 281 of the NSMF protein (p.Arg281His). This variant is present in population databases (rs760545169, gnomAD 0.009%). This variant has not been reported in the literature in individuals affected with NSMF-related conditions. ClinVar contains an entry for this variant (Variation ID: 2264325). Invitae Evidence Modeling of protein sequence and biophysical properties (such as structural, functional, and spatial information, amino acid conservation, physicochemical variation, residue mobility, and thermodynamic stability) indicates that this missense variant is not expected to disrupt NSMF protein function with a negative predictive value of 80%. In summary, the available evidence is currently insufficient to determine the role of this variant in disease. Therefore, it has been classified as a Variant of Uncertain Significance.

Ambry Genetics
Classification: Uncertain significance. Last evaluated: 2021-12-03. Review status: criteria provided, single submitter. Criteria: Ambry Variant Classification Scheme 2023. Collection method: clinical testing. Allele origin: germline.